The following is an entry in ClinVar:

ClinVar aggregate classification (germline): Uncertain significance. Review status: criteria provided, multiple submitters, no conflicts (2 of 4 stars). 3 submissions from 3 submitters: Uncertain significance (3). Last evaluated 2024-11-10.

Conditions:
Inborn genetic diseases. Identifiers: MedGen C0950123, MeSH D030342.

Allele frequency attached by ClinVar (database versions not stated): TOPMed 0.00001; gnomAD 0.00002; gnomAD exomes below 0.00001.
gnomAD v4.1: 9 of 1,613,818 alleles (0.00056%); highest among the groups gnomAD compares: Admixed American, 0.0017%; no homozygotes.

Submissions (3):

Ambry Genetics
Classification: Uncertain significance for Inborn genetic diseases. Last evaluated: 2024-11-10. Review status: criteria provided, single submitter. Criteria: Ambry Variant Classification Scheme 2023. Collection method: clinical testing. Allele origin: germline.

Blueprint Genetics
Classification: Uncertain significance. Last evaluated: 2024-08-19. Review status: criteria provided, single submitter. Criteria: ACMG Guidelines, 2015. Collection method: clinical testing. Allele origin: germline.

Labcorp Genetics (formerly Invitae), Labcorp
Classification: Uncertain significance. Last evaluated: 2021-12-23. Review status: criteria provided, single submitter. Criteria: Invitae Variant Classification Sherloc (09022015). Collection method: clinical testing. Allele origin: germline.
Comment: In summary, the available evidence is currently insufficient to determine the role of this variant in disease. Therefore, it has been classified as a Variant of Uncertain Significance. Algorithms developed to predict the effect of sequence changes on RNA splicing suggest that this variant may create or strengthen a splice site. This sequence change replaces glycine, which is neutral and non-polar, with serine, which is neutral and polar, at codon 755 of the LAMA1 protein (p.Gly755Ser). This variant is present in population databases (no rsID available, gnomAD 0.003%). This variant has not been reported in the literature in individuals affected with LAMA1-related conditions. Algorithms developed to predict the effect of missense changes on protein structure and function are either unavailable or do not agree on the potential impact of this missense change (SIFT: "Tolerated"; PolyPhen-2: "Probably Damaging"; Align-GVGD: "Class C0").

NM_005559.4(LAMA1):c.2263G>A (p.Gly755Ser)

Gene: LAMA1 (laminin subunit alpha 1; minus strand). Cytogenetic location: 18p11.31.
Variant type: single nucleotide variant.
Coding change: c.2263G>A on transcript NM_005559.4 (MANE Select); coding-DNA position 2263, G replaced by A.
Protein change: p.Gly755Ser; replaces glycine 755 with serine.
Molecular consequence: missense variant.
Genome position (GRCh38, 1-based): chr18:7,032,077, C>T on the plus strand (G>A on the coding strand, the complement: LAMA1 is on the minus strand). VCF-style: chr18-7032077-C-T. GRCh37 (hg19) VCF-style: chr18-7032076-C-T.
Other names: c.2263G>A (NM_005559.3); short protein forms G755S.
Identifiers: ClinVar variation 1897850 (VCV001897850.7), dbSNP rs1266955784, ClinGen allele CA401828882.
Genomic context (GRCh38, chr18:7,032,077, plus strand): 5'-GCTCTGAATTGAGGAGGAGAGGGCACCTGAACTACAGTGAGAGACTCACAATGCAAACGC[C>T]GTGAACATTACACTCAGCTGCATGGCCGTGGCATTCACAGGGTTGACAAATTCCTCCAAA-3'
Protein context (NP_005550.2, residues 745-765): HGHAAECNVH[Gly755Ser]VCIACAHNTT